The following is an entry in ClinVar:

ClinVar aggregate classification (germline): Benign (1 of 4 stars; one submission).

Conditions:
Familial adenomatous polyposis 1 (FAP1). Also called: FAMILIAL ADENOMATOUS POLYPOSIS 1, ATTENUATED; POLYPOSIS, ADENOMATOUS INTESTINAL. Identifiers: MedGen C2713442, MONDO:0021056, OMIM 175100. Disease mechanism: loss of function.

Submission:

Myriad Genetics, Inc.
Classification: Benign for Familial adenomatous polyposis 1. Last evaluated: 2024-04-08. Review status: criteria provided, single submitter. Criteria: Myriad Autosomal Dominant, Autosomal Recessive and X-Linked Classification Criteria (2023). Collection method: clinical testing. Allele origin: unknown.
Comment: This variant is considered benign. This variant is a silent/synonymous amino acid change and it is not expected to impact splicing.

NM_000038.6(APC):c.6927T>G (p.Pro2309=)

Gene: APC (APC regulator of Wnt signaling pathway; plus strand). Cytogenetic location: 5q22.2.
Variant type: single nucleotide variant.
Coding change: c.6927T>G on transcript NM_000038.6 (MANE Select); coding-DNA position 6927, T replaced by G.
Protein change: p.Pro2309=; no amino-acid change (proline 2309 retained).
Molecular consequence: synonymous variant. On other transcripts: non-coding transcript variant (2).
Genome position (GRCh38, 1-based): chr5:112,842,521, T>G. VCF-style: chr5-112842521-T-G. GRCh37 (hg19) VCF-style: chr5-112178218-T-G.
Other names: c.6927T>G, p.Pro2309= (NM_001127510.3, NM_001354895.2, NM_001407450.1); c.6873T>G, p.Pro2291= (NM_001127511.3); c.6981T>G, p.Pro2327= (NM_001354896.2, NM_001407447.1, NM_001407448.1 and 1 more transcripts); c.6957T>G, p.Pro2319= (NM_001354897.2); c.6852T>G, p.Pro2284= (NM_001354898.2); c.6843T>G, p.Pro2281= (NM_001354899.2); c.6804T>G, p.Pro2268= (NM_001354900.2); c.6750T>G, p.Pro2250= (NM_001354901.2, NM_001407453.1); and 11 more.
Identifiers: ClinVar variation 3254091 (VCV003254091.1), dbSNP rs2149976432.